The following is an entry in ClinVar:

NM_002335.4(LRP5):c.1781T>C (p.Val594Ala)

Gene: LRP5 (LDL receptor related protein 5; plus strand). Cytogenetic location: 11q13.2.
Variant type: single nucleotide variant.
Coding change: c.1781T>C on transcript NM_002335.4 (MANE Select); coding-DNA position 1781, T replaced by C.
Protein change: p.Val594Ala; replaces valine 594 with alanine.
Molecular consequence: missense variant. On other transcripts: 5 prime UTR variant (1).
Genome position (GRCh38, 1-based): chr11:68,403,679, T>C. VCF-style: chr11-68403679-T-C. GRCh37 (hg19) VCF-style: chr11-68171147-T-C.
Other names: c.-157T>C (NM_001291902.2); short protein forms V594A.
Identifiers: ClinVar variation 1370699 (VCV001370699.1), dbSNP rs2153163095, ClinGen allele CA381614698.
Genomic context (GRCh38, chr11:68,403,679, plus strand): 5'-TCAAGGCCAGCCGGGACGTCATCATTGACCAGCTGCCCGACCTGATGGGGCTCAAAGCTG[T>C]GAATGTGGCCAAGGTCGTCGGTGAGTCCGGGGGGTCCCAAGCCATGGCTCAGCCATGCAG-3'
Protein context (NP_002326.2, residues 584-604): QLPDLMGLKA[Val594Ala]NVAKVVGTNP

ClinVar aggregate classification (germline): Uncertain significance (1 of 4 stars; one submission).

Submission:

Labcorp Genetics (formerly Invitae), Labcorp
Classification: Uncertain significance. Last evaluated: 2021-07-28. Review status: criteria provided, single submitter. Criteria: Invitae Variant Classification Sherloc (09022015). Collection method: clinical testing. Allele origin: germline.
Comment: This sequence change replaces valine with alanine at codon 594 of the LRP5 protein (p.Val594Ala). The valine residue is moderately conserved and there is a small physicochemical difference between valine and alanine. This variant is not present in population databases (ExAC no frequency). This variant has not been reported in the literature in individuals affected with LRP5-related conditions. Advanced modeling of protein sequence and biophysical properties (such as structural, functional, and spatial information, amino acid conservation, physicochemical variation, residue mobility, and thermodynamic stability) performed at Invitae indicates that this missense variant is not expected to disrupt LRP5 protein function. In summary, the available evidence is currently insufficient to determine the role of this variant in disease. Therefore, it has been classified as a Variant of Uncertain Significance.